The following is an entry in ClinVar:

NM_005559.4(LAMA1):c.9067+8C>T

Gene: LAMA1 (laminin subunit alpha 1; minus strand). Cytogenetic location: 18p11.31.
Variant type: single nucleotide variant.
Coding change: c.9067+8C>T on transcript NM_005559.4 (MANE Select); 8 bases into the intron after coding-DNA position 9067, C replaced by T.
Molecular consequence: intron variant.
Genome position (GRCh38, 1-based): chr18:6,943,172, G>A on the plus strand (C>T on the coding strand, the complement: LAMA1 is on the minus strand). VCF-style: chr18-6943172-G-A. GRCh37 (hg19) VCF-style: chr18-6943171-G-A.
Identifiers: ClinVar variation 733828 (VCV000733828.9), dbSNP rs202100640, ClinGen allele CA8880272.
Genomic context (GRCh38, chr18:6,943,172, plus strand): 5'-CACCTGAACCAAGACTTCCTCCAGGGACAGTGCCCCTTTTGAGTGGAAGAGCAGGTACCC[G>A]TACATACCAGGATAGCCACCAACATAAATGGGATTGTTGGTGTCCACTGAGGTAGACTGG-3'

ClinVar aggregate classification (germline): Benign/Likely benign. Review status: criteria provided, multiple submitters, no conflicts (2 of 4 stars). 3 submissions from 3 submitters: Benign (1); Likely benign (2). Last evaluated 2026-07-01.

Allele frequency attached by ClinVar (database versions not stated): ExAC 0.00013; gnomAD 0.00015; gnomAD exomes 0.00017 and 0.00029; TOPMed 0.00019; ESP Exome Variant Server 0.00023.
gnomAD v4.1: 457 of 1,612,030 alleles (0.028%); highest among the groups gnomAD compares: Middle Eastern, 0.33%; 2 homozygotes.

Submissions (3):

CeGaT Center for Human Genetics Tuebingen
Classification: Likely benign. Last evaluated: 2026-07-01. Review status: criteria provided, single submitter. Criteria: CeGaT Center For Human Genetics Tuebingen Variant Classification Criteria Version 2. Collection method: clinical testing. Allele origin: germline. Affected: yes. Observed: 1 variant allele.
Comment: LAMA1: PM2, BP4, BS2

Labcorp Genetics (formerly Invitae), Labcorp
Classification: Benign. Last evaluated: 2025-12-18. Review status: criteria provided, single submitter. Criteria: Invitae Variant Classification Sherloc (09022015). Collection method: clinical testing. Allele origin: germline.

Blueprint Genetics
Classification: Likely benign. Last evaluated: 2024-11-05. Review status: criteria provided, single submitter. Criteria: ACMG Guidelines, 2015. Collection method: clinical testing. Allele origin: germline.